The following is an entry in ClinVar:

NM_001220.5(CAMK2B):c.1567C>G (p.Pro523Ala)

Gene: CAMK2B (calcium/calmodulin dependent protein kinase II beta; minus strand). Cytogenetic location: 7p13.
Variant type: single nucleotide variant.
Coding change: c.1567C>G on transcript NM_001220.5 (MANE Select); coding-DNA position 1567, C replaced by G.
Protein change: p.Pro523Ala; replaces proline 523 with alanine.
Molecular consequence: missense variant. On other transcripts: intron variant (8).
Genome position (GRCh38, 1-based): chr7:44,226,546, G>C on the plus strand (C>G on the coding strand, the complement: CAMK2B is on the minus strand). VCF-style: chr7-44226546-G-C. GRCh37 (hg19) VCF-style: chr7-44266145-G-C.
Other names: c.947-5645C>G (NM_172084.3); c.1150+4460C>G (NM_172080.3); c.1036+4460C>G (NM_172083.3); c.1108+4460C>G (NM_172081.3); c.1153+4460C>G (NM_172079.3, NM_172082.3); c.1225+4460C>G (NM_001293170.2, NM_172078.3); short protein forms P523A.
Identifiers: ClinVar variation 1942167 (VCV001942167.5), dbSNP rs1703543682, ClinGen allele CA367371448.

ClinVar aggregate classification (germline): Uncertain significance (1 of 4 stars; one submission).

Allele frequency attached by ClinVar (database versions not stated): TOPMed below 0.00001.
gnomAD v4.1: 2 of 1,476,054 alleles (0.00014%); highest among the groups gnomAD compares: Non-Finnish European, 0.000089%; no homozygotes.

Submission:

Labcorp Genetics (formerly Invitae), Labcorp
Classification: Uncertain significance. Last evaluated: 2022-05-08. Review status: criteria provided, single submitter. Criteria: Invitae Variant Classification Sherloc (09022015). Collection method: clinical testing. Allele origin: germline.
Comment: In summary, the available evidence is currently insufficient to determine the role of this variant in disease. Therefore, it has been classified as a Variant of Uncertain Significance. Algorithms developed to predict the effect of missense changes on protein structure and function (SIFT, PolyPhen-2, Align-GVGD) all suggest that this variant is likely to be disruptive. This variant has not been reported in the literature in individuals affected with CAMK2B-related conditions. This variant is not present in population databases (gnomAD no frequency). This sequence change replaces proline, which is neutral and non-polar, with alanine, which is neutral and non-polar, at codon 523 of the CAMK2B protein (p.Pro523Ala).